The following is an entry in ClinVar:

NM_199242.3(UNC13D):c.628G>C (p.Val210Leu)

Gene: UNC13D (unc-13 homolog D; minus strand). Cytogenetic location: 17q25.1.
Variant type: single nucleotide variant.
Coding change: c.628G>C on transcript NM_199242.3 (MANE Select); coding-DNA position 628, G replaced by C.
Protein change: p.Val210Leu; replaces valine 210 with leucine.
Molecular consequence: missense variant.
Genome position (GRCh38, 1-based): chr17:75,840,817, C>G on the plus strand (G>C on the coding strand, the complement: UNC13D is on the minus strand). VCF-style: chr17-75840817-C-G. GRCh37 (hg19) VCF-style: chr17-73836898-C-G.
Other names: short protein forms V210L.
Identifiers: ClinVar variation 849323 (VCV000849323.7), dbSNP rs917497461, ClinGen allele CA294089567.
Genomic context (GRCh38, chr17:75,840,817, plus strand): 5'-CGAACCTGCGAAGCCCATGCAGATCCGTGAGCTCCCCAAGCTTCTGTCGGACAGACTCCA[C>G]AGTGTCCAGGTCCCTGGCAGGACAGAGGTTTGAGAAGGAAGCAGAGAGAGTGCCTACGAC-3'
Protein context (NP_954712.1, residues 200-220): FHLDMWDLDT[Val210Leu]ESVRQKLGEL

ClinVar aggregate classification (germline): Uncertain significance (1 of 4 stars; one submission).

Conditions:
Familial hemophagocytic lymphohistiocytosis 3 (FHL3). Also called: UNC13D-Related Familial Hemophagocytic Lymphohistiocytosis (UNC13D-fHLH). Identifiers: Orphanet 540, MedGen C1837174, MONDO:0012146, OMIM 608898.

Allele frequency attached by ClinVar (database versions not stated): gnomAD exomes 0.00001; gnomAD 0.00002; TOPMed 0.00003.
gnomAD v4.1: 5 of 1,613,942 alleles (0.00031%); highest among the groups gnomAD compares: Admixed American, 0.0083%; no homozygotes.

Submission:

Labcorp Genetics (formerly Invitae), Labcorp
Classification: Uncertain significance for Familial hemophagocytic lymphohistiocytosis 3. Last evaluated: 2022-07-23. Review status: criteria provided, single submitter. Criteria: Invitae Variant Classification Sherloc (09022015). Collection method: clinical testing. Allele origin: germline.
Comment: This sequence change replaces valine, which is neutral and non-polar, with leucine, which is neutral and non-polar, at codon 210 of the UNC13D protein (p.Val210Leu). This variant is present in population databases (no rsID available, gnomAD 0.009%). This variant has not been reported in the literature in individuals affected with UNC13D-related conditions. ClinVar contains an entry for this variant (Variation ID: 849323). Algorithms developed to predict the effect of missense changes on protein structure and function are either unavailable or do not agree on the potential impact of this missense change (SIFT: "Not Available"; PolyPhen-2: "Possibly Damaging"; Align-GVGD: "Not Available"). In summary, the available evidence is currently insufficient to determine the role of this variant in disease. Therefore, it has been classified as a Variant of Uncertain Significance.